The following is an entry in ClinVar:

NM_000059.4(BRCA2):c.7827dup (p.Val2610fs)

Gene: BRCA2 (BRCA2 DNA repair associated; plus strand). Cytogenetic location: 13q13.1.
Variant type: Duplication.
Coding change: c.7827dup on transcript NM_000059.4 (MANE Select); coding-DNA position 7827, one base duplicated (T; older notation c.7827dupT).
Protein change: p.Val2610fs; shifts the reading frame from valine 2610.
Molecular consequence: frameshift variant.
Genome position (GRCh38, 1-based): chr13:32,362,544, T duplicated. VCF-style (leftmost placement, unchanged base first): chr13-32362543-G-GT. GRCh37 (hg19) VCF-style: chr13-32936680-G-GT.
Other names: c.7731dup, p.Val2578Cysfs (NM_001406719.1); c.7827dup, p.Val2610Cysfs (NM_001406720.1); c.2895dup, p.Val966Cysfs (NM_001406721.1); c.1410dup, p.Val471Cysfs (NM_001406722.1); short protein forms V2610fs.
Identifiers: ClinVar variation 2431286 (VCV002431286.1), dbSNP rs2548545288, ClinGen allele CA2580087394.

ClinVar aggregate classification (germline): Pathogenic (1 of 4 stars; one submission).

Conditions:
Breast-ovarian cancer, familial, susceptibility to, 2 (BROVCA2). Also called: BRCA2 Hereditary Breast and Ovarian Cancer. Identifiers: Orphanet 145, MedGen C2675520, MONDO:0012933, OMIM 612555. Disease mechanism: loss of function.

Submission:

Myriad Genetics, Inc.
Classification: Pathogenic for Breast-ovarian cancer, familial, susceptibility to, 2. Last evaluated: 2023-01-11. Review status: criteria provided, single submitter. Criteria: Myriad Autosomal Dominant, Autosomal Recessive and X-Linked Classification Criteria (2023). Collection method: clinical testing. Allele origin: unknown.
Comment: This variant is considered pathogenic. This variant creates a frameshift predicted to result in premature protein truncation.